The following is an entry in ClinVar:

ClinVar aggregate classification (germline): Uncertain significance (1 of 4 stars; one submission).

Allele frequency attached by ClinVar (database versions not stated): gnomAD exomes below 0.00001 and 0.00001; TOPMed 0.00001; gnomAD 0.00003.

Submission:

GeneDx
Classification: Uncertain significance. Last evaluated: 2019-03-18. Review status: criteria provided, single submitter. Criteria: GeneDx Variant Classification Process June 2021. Collection method: clinical testing. Allele origin: germline. Affected: yes.
Comment: In silico analysis, which includes protein predictors and evolutionary conservation, supports a deleterious effect; Has not been previously published as pathogenic or benign to our knowledge

NM_004817.4(TJP2):c.2749C>T (p.Arg917Cys)

Gene: TJP2 (tight junction protein 2; plus strand). Cytogenetic location: 9q21.11.
Variant type: single nucleotide variant.
Coding change: c.2749C>T on transcript NM_004817.4 (MANE Select); coding-DNA position 2749, C replaced by T.
Protein change: p.Arg917Cys; replaces arginine 917 with cysteine.
Molecular consequence: missense variant. On other transcripts: intron variant (1).
Genome position (GRCh38, 1-based): chr9:69,248,093, C>T. VCF-style: chr9-69248093-C-T. GRCh37 (hg19) VCF-style: chr9-71863009-C-T.
Other names: c.2680C>T, p.Arg894Cys (NM_001170414.2, NM_001369871.1); c.2761C>T, p.Arg921Cys (NM_001170415.1, NM_001369874.1, NM_001369875.1); c.2842C>T, p.Arg948Cys (NM_001170416.2); c.2674C>T, p.Arg892Cys (NM_001369870.1); c.2749C>T, p.Arg917Cys (NM_001369872.1, NM_201629.3); c.2667+1303C>T (NM_001369873.1); short protein forms R892C, R894C, R917C, R921C, R948C.
Identifiers: ClinVar variation 1302469 (VCV001302469.2), dbSNP rs1219019246, ClinGen allele CA373538038.
Genomic context (GRCh38, chr9:69,248,093, plus strand): 5'-CCCGAAGACCGCATGTCCTACTTAACCGCCATGGGCGCGGACTATCTGAGTTGCGACAGC[C>T]GCCTCATCAGTGACTTTGAAGACACGGACGGTGAAGGAGGCGCCTACACTGACAATGAGC-3'
Protein context (NP_004808.2, residues 907-927): MGADYLSCDS[Arg917Cys]LISDFEDTDG